The following is an entry in ClinVar:

ClinVar aggregate classification (germline): Likely benign. Review status: criteria provided, multiple submitters, no conflicts (2 of 4 stars). 2 submissions from 2 submitters: Likely benign (2). Last evaluated 2024-06-20.

Conditions:
Familial cancer of breast. Also called: BREAST CANCER, FAMILIAL; Hereditary breast cancer; hereditary breast carcinoma. Identifiers: Orphanet 227535, MedGen C0346153, MONDO:0016419, OMIM 114480. Disease mechanism: loss of function.
Ataxia-telangiectasia syndrome (AT). Also called: Ataxia-telangiectasia, complementation group D; AT, COMPLEMENTATION GROUP C; ATAXIA-TELANGIECTASIA, COMPLEMENTATION GROUP A; ATAXIA-TELANGIECTASIA, FRESNO VARIANT; Ataxia-telangiectasia, complementation group E; LOUIS-BAR SYNDROME. Identifiers: Orphanet 100, MedGen C0004135, MONDO:0008840, OMIM 208900.

Submissions (2):

Myriad Genetics, Inc.
Classification: Likely benign for Familial cancer of breast. Last evaluated: 2024-06-20. Review status: criteria provided, single submitter. Criteria: Myriad Autosomal Dominant, Autosomal Recessive and X-Linked Classification Criteria (2023). Collection method: clinical testing. Allele origin: unknown.
Comment: This variant is considered likely benign. This variant is intronic and is not expected to impact mRNA splicing.

Labcorp Genetics (formerly Invitae), Labcorp
Classification: Likely benign for Ataxia-telangiectasia syndrome. Last evaluated: 2022-07-14. Review status: criteria provided, single submitter. Criteria: Invitae Variant Classification Sherloc (09022015). Collection method: clinical testing. Allele origin: germline.

NM_000051.4(ATM):c.8672-8T>C

Genes: ATM (ATM serine/threonine kinase; plus strand), C11orf65 (chromosome 11 open reading frame 65; minus strand). Cytogenetic location: 11q22.3.
Variant type: single nucleotide variant.
Coding change: c.8672-8T>C on transcript NM_000051.4 (MANE Select); 8 bases into the intron before coding-DNA position 8672, T replaced by C.
Molecular consequence: intron variant.
Genome position (GRCh38, 1-based): chr11:108,353,758, T>C. VCF-style: chr11-108353758-T-C. GRCh37 (hg19) VCF-style: chr11-108224485-T-C.
Other names: c.8672-8T>C (NM_001351834.2); c.640+32162A>G (NM_001330368.2); c.695-18466A>G (NM_001351110.2).
Identifiers: ClinVar variation 2012270 (VCV002012270.5), dbSNP rs2547514006, ClinGen allele CA2580083001.